The following is an entry in ClinVar:

ClinVar aggregate classification (germline): Uncertain significance (1 of 4 stars; one submission).

Conditions:
Amyotrophic lateral sclerosis type 8 (ALS8). Identifiers: Orphanet 803, MedGen C1837728, MONDO:0012077, OMIM 608627.
Adult-onset proximal spinal muscular atrophy, autosomal dominant. Also called: Spinal muscular atrophy, late-onset, finkel type; FINKEL LATE-ADULT TYPE SMA. Identifiers: Orphanet 209335, MedGen C1854058, MONDO:0008453, OMIM 182980.

Submission:

Labcorp Genetics (formerly Invitae), Labcorp
Classification: Uncertain significance for Adult-onset proximal spinal muscular atrophy, autosomal dominant; Amyotrophic lateral sclerosis type 8. Last evaluated: 2023-07-13. Review status: criteria provided, single submitter. Criteria: Invitae Variant Classification Sherloc (09022015). Collection method: clinical testing. Allele origin: germline.
Comment: This sequence change creates a premature translational stop signal (p.Cys53Trpfs*2) in the VAPB gene. It is expected to result in an absent or disrupted protein product. However, the current clinical and genetic evidence is not sufficient to establish whether loss-of-function variants in VAPB cause disease. This variant is not present in population databases (gnomAD no frequency). This variant has not been reported in the literature in individuals affected with VAPB-related conditions. In summary, the available evidence is currently insufficient to determine the role of this variant in disease. Therefore, it has been classified as a Variant of Uncertain Significance.

NM_004738.5(VAPB):c.159del (p.Cys53fs)

Gene: VAPB (VAMP associated protein B and C; plus strand). Cytogenetic location: 20q13.32.
Variant type: Deletion.
Coding change: c.159del on transcript NM_004738.5 (MANE Select); coding-DNA position 159, one base deleted (T; older notation c.159delT).
Protein change: p.Cys53fs; shifts the reading frame from cysteine 53.
Molecular consequence: frameshift variant. On other transcripts: non-coding transcript variant (1).
Genome position (GRCh38, 1-based): chr20:58,418,311, T deleted. VCF-style (leftmost placement, unchanged base first): chr20-58418310-GT-G. GRCh37 (hg19) VCF-style: chr20-56993366-GT-G.
Other names: c.159del, p.Cys53fs (NM_001195677.2); short protein forms C53fs.
Identifiers: ClinVar variation 2949846 (VCV002949846.3), dbSNP rs2516033021, ClinGen allele CA2740094597.